The following is an entry in ClinVar:

ClinVar aggregate classification (germline): Likely benign (0 of 4 stars; one submission).

Conditions:
GRAP-related disorder. Also called: GRAP-related condition.

Allele frequency attached by ClinVar (database versions not stated): TOPMed 0.00002.
gnomAD v4.1: 55 of 1,597,756 alleles (0.0034%); highest among the groups gnomAD compares: Non-Finnish European, 0.0047%; no homozygotes.

Submission:

PreventionGenetics, part of Exact Sciences
Classification: Likely benign for GRAP-related condition. Last evaluated: 2020-06-12. Review status: no assertion criteria provided. Collection method: clinical testing. Allele origin: germline.
Comment: This variant is classified as likely benign based on ACMG/AMP sequence variant interpretation guidelines (Richards et al. 2015 PMID: 25741868, with internal and published modifications).

NM_006613.4(GRAP):c.595C>A (p.Arg199=)

Genes: GRAP (GRB2 related adaptor protein; minus strand), SLC5A10 (solute carrier family 5 member 10; plus strand). Cytogenetic location: 17p11.2.
Variant type: single nucleotide variant.
Coding change: c.595C>A on transcript NM_006613.4 (MANE Select); coding-DNA position 595, C replaced by A.
Protein change: p.Arg199=; no amino-acid change (arginine 199 retained).
Molecular consequence: synonymous variant. On other transcripts: 3 prime UTR variant (4).
Genome position (GRCh38, 1-based): chr17:19,022,018, G>T on the plus strand (C>A on the coding strand, the complement: GRAP is on the minus strand). VCF-style: chr17-19022018-G-T. GRCh37 (hg19) VCF-style: chr17-18925331-G-T.
Other names: c.426C>A, p.Ala142= (NM_001330148.2); c.*1587G>T (NM_001042450.4, NM_001270648.3, NM_001270649.2 and 1 more transcripts).
Identifiers: ClinVar variation 3036303 (VCV003036303.2), dbSNP rs774325073, ClinGen allele CA8437095.
Genomic context (GRCh38, chr17:19,022,018, plus strand): 5'-CTCACAGGTGCACGGGCTGCACGTAACTCCGTGGGAAGAAGCCAACGCGCCCGCAGGACC[G>T]GCCCCGCCACCAGTGGGGGTCTGGGCGCTCCAGGACCTCAATGATGTCGCCACGGCGGAA-3'
Protein context (NP_006604.1, residues 189-209): ERPDPHWWRG[Arg199=]SCGRVGFFPR